The following is an entry in ClinVar:

ClinVar aggregate classification (germline): Benign. Review status: criteria provided, multiple submitters, no conflicts (2 of 4 stars). 3 submissions from 3 submitters: Benign (3). Last evaluated 2024-01-24.

Conditions:
Immunodeficiency 79. Also called: CD4 deficiency. Identifiers: MedGen C5543220, MONDO:0030981, OMIM 619238.

Allele frequency attached by ClinVar (database versions not stated): ExAC 0.64387; gnomAD exomes 0.64420 and 0.57986; TOPMed 0.64424; 1000 Genomes Project 30x 0.74641; 1000 Genomes Project 0.74681; ESP Exome Variant Server 0.61080; gnomAD 0.63742 and 0.64243.
gnomAD v4.1: 946,325 of 1,613,520 alleles (59%); highest among the groups gnomAD compares: East Asian, 91%; 283,795 homozygotes.

Submissions (3):

Unidad de Genómica Garrahan, Hospital de Pediatría Garrahan
Classification: Benign. Last evaluated: 2024-01-24. Review status: criteria provided, single submitter. Criteria: ACMG Guidelines, 2015. Collection method: clinical testing. Allele origin: germline. Affected: no. Observed: 81 variant alleles.
Comment: This variant is classified as Benign based on local population frequency. This variant was detected in 85% of patients studied by a panel of primary immunodeficiencies. Number of patients: 81. Only high quality variants are reported.

Genome-Nilou Lab
Classification: Benign for Immunodeficiency 79. Last evaluated: 2021-07-14. Review status: criteria provided, single submitter. Criteria: ACMG Guidelines, 2015. Collection method: clinical testing. Allele origin: germline. Affected: no.

Breakthrough Genomics
Classification: Benign. Review status: criteria provided, single submitter. Criteria: ACMG Guidelines, 2015. Collection method: not provided. Allele origin: germline. Inheritance: Autosomal recessive inheritance. Affected: yes.

NM_000616.5(CD4):c.1023T>C (p.Ser341=)

Gene: CD4 (CD4 molecule; plus strand). Cytogenetic location: 12p13.31.
Variant type: single nucleotide variant.
Coding change: c.1023T>C on transcript NM_000616.5 (MANE Select); coding-DNA position 1023, T replaced by C.
Protein change: p.Ser341=; no amino-acid change (serine 341 retained).
Molecular consequence: synonymous variant.
Genome position (GRCh38, 1-based): chr12:6,817,197, T>C. VCF-style: chr12-6817197-T-C. GRCh37 (hg19) VCF-style: chr12-6926363-T-C.
Other names: c.486T>C, p.Ser162= (NM_001195014.3); c.204T>C, p.Ser68= (NM_001195015.3, NM_001195016.3, NM_001195017.3 and 2 more transcripts); c.1023T>C, p.Ser341= (NM_001382707.1); c.858T>C, p.Ser286= (NM_001382714.1).
Identifiers: ClinVar variation 1192706 (VCV001192706.5), dbSNP rs1055141, ClinGen allele CA6415951.